The following is an entry in ClinVar:

ClinVar aggregate classification (germline): Pathogenic (1 of 4 stars; one submission).

Conditions:
Methylcobalamin deficiency type cblE (HMAE). Also called: HOMOCYSTINURIA-MEGALOBLASTIC ANEMIA, cblE TYPE; HOMOCYSTINURIA-MEGALOBLASTIC ANEMIA, cblE COMPLEMENTATION TYPE; VITAMIN B12-RESPONSIVE HOMOCYSTINURIA, cblE TYPE. Identifiers: Orphanet 2169, Orphanet 622, MedGen C1856057, MONDO:0009354, OMIM 236270.

gnomAD v4.1: 2 of 1,614,124 alleles (0.00012%); highest among the groups gnomAD compares: Non-Finnish European, 0.000085%; no homozygotes.

Submission:

Natera, Inc.
Classification: Pathogenic for CblE complementation type homocystinuria-megaloblastic anemia due to defect in cobalamin metabolism. Last evaluated: 2024-11-06. Review status: criteria provided, single submitter. Criteria: Natera Variant Classification Schema (03/2026). Collection method: clinical testing. Allele origin: germline.
Comment: The c.1204C>T variant in MTRR is a nonsense variant predicted to introduce a stop codon at amino acid 402. This variant is expected to result in nonsense mediated decay, truncation, or a dysfunctional protein product. This variant is rare in the general population with a frequency below the threshold expected for the associated phenotype(s). This variant has been observed in one or more individuals affected with the associated recessive disease, as either homozygous or compound heterozygous with a second variant (PMID: 38736634). Additionally, this variant has been observed to segregate in affected family members (PMID: 38736634). Given the available evidence, this variant is classified as Pathogenic.

Literature cited by the submitters: PubMed 38736634.

NM_002454.3(MTRR):c.1204C>T (p.Gln402Ter)

Gene: MTRR (5-methyltetrahydrofolate-homocysteine methyltransferase reductase; plus strand). Cytogenetic location: 5p15.31.
Variant type: single nucleotide variant.
Coding change: c.1204C>T on transcript NM_002454.3 (MANE Select); coding-DNA position 1204, C replaced by T.
Protein change: p.Gln402Ter; replaces glutamine 402 with a stop codon.
Molecular consequence: nonsense. On other transcripts: non-coding transcript variant (14).
Genome position (GRCh38, 1-based): chr5:7,889,152, C>T. VCF-style: chr5-7889152-C-T. GRCh37 (hg19) VCF-style: chr5-7889265-C-T.
Other names: c.1204C>T, p.Gln402Ter (NM_001364440.2, NM_001364441.2, NM_001364442.2 and 1 more transcripts); short protein forms Q402*.
Identifiers: ClinVar variation 4815052 (VCV004815052.1).